The following is an entry in ClinVar:

ClinVar aggregate classification (germline): Uncertain significance (1 of 4 stars; one submission).

Allele frequency attached by ClinVar (database versions not stated): ExAC 0.00051; gnomAD 0.00056; TOPMed 0.00059; gnomAD exomes 0.00062; ESP Exome Variant Server 0.00131; 1000 Genomes Project 30x 0.00016; 1000 Genomes Project 0.00020.
gnomAD v4.1: 982 of 1,614,168 alleles (0.061%); highest among the groups gnomAD compares: Non-Finnish European, 0.076%; 2 homozygotes.

Submission:

Ambry Genetics
Classification: Uncertain significance. Last evaluated: 2024-10-11. Review status: criteria provided, single submitter. Criteria: Ambry Variant Classification Scheme 2023. Collection method: clinical testing. Allele origin: germline.
Comment: The p.S775P variant (also known as c.2323T>C), located in coding exon 4 of the ALPK2 gene, results from a T to C substitution at nucleotide position 2323. The serine at codon 775 is replaced by proline, an amino acid with similar properties. This amino acid position is conserved. In addition, this alteration is predicted to be tolerated by in silico analysis. Since supporting evidence is limited at this time, the clinical significance of this alteration remains unclear.

NM_052947.4(ALPK2):c.2323T>C (p.Ser775Pro)

Gene: ALPK2 (alpha kinase 2; minus strand). Cytogenetic location: 18q21.31.
Variant type: single nucleotide variant.
Coding change: c.2323T>C on transcript NM_052947.4 (MANE Select); coding-DNA position 2323, T replaced by C.
Protein change: p.Ser775Pro; replaces serine 775 with proline.
Molecular consequence: missense variant.
Genome position (GRCh38, 1-based): chr18:58,537,864, A>G on the plus strand (T>C on the coding strand, the complement: ALPK2 is on the minus strand). VCF-style: chr18-58537864-A-G. GRCh37 (hg19) VCF-style: chr18-56205096-A-G.
Other names: short protein forms S775P.
Identifiers: ClinVar variation 1789616 (VCV001789616.3), dbSNP rs146152799, ClinGen allele CA8977095.